The following is an entry in ClinVar:

ClinVar aggregate classification (germline): Likely benign. Review status: criteria provided, multiple submitters, no conflicts (2 of 4 stars). 2 submissions from 2 submitters: Likely benign (2). Last evaluated 2023-04-03.

Conditions:
Long QT syndrome (LQTS). Identifiers: MedGen C0023976, MeSH D008133, MONDO:0002442. Disease mechanism: loss of function. Inheritance: Various modes of inheritance.

Submissions (2):

All of Us Research Program, National Institutes of Health
Classification: Likely benign for Long QT syndrome. Last evaluated: 2023-04-03. Review status: criteria provided, single submitter. Criteria: ACMG Guidelines, 2015. Collection method: clinical testing. Allele origin: germline. Inheritance: Autosomal dominant inheritance. Observed: 1 variant allele, 1 heterozygote.
Comment: This study involves interpretation of variants in research participants for the purpose of population health screening. Participant phenotype was not available at the time of variant classification. Additional details can be found in publication PMID: 35346344, PMCID: PMC8962531

Labcorp Genetics (formerly Invitae), Labcorp
Classification: Likely benign for Long QT syndrome. Last evaluated: 2022-07-25. Review status: criteria provided, single submitter. Criteria: Invitae Variant Classification Sherloc (09022015). Collection method: clinical testing. Allele origin: germline.

NM_000238.4(KCNH2):c.1566G>C (p.Gly522=)

Gene: KCNH2 (potassium voltage-gated channel subfamily H member 2; minus strand). Cytogenetic location: 7q36.1.
Variant type: single nucleotide variant.
Coding change: c.1566G>C on transcript NM_000238.4 (MANE Select); coding-DNA position 1566, G replaced by C.
Protein change: p.Gly522=; no amino-acid change (glycine 522 retained).
Molecular consequence: synonymous variant. On other transcripts: non-coding transcript variant (2).
Genome position (GRCh38, 1-based): chr7:150,951,827, C>G on the plus strand (G>C on the coding strand, the complement: KCNH2 is on the minus strand). VCF-style: chr7-150951827-C-G. GRCh37 (hg19) VCF-style: chr7-150648915-C-G.
Other names: c.546G>C, p.Gly182= (NM_001204798.2, NM_172057.3); c.1278G>C, p.Gly426= (NM_001406753.1, NM_001406756.1); c.1389G>C, p.Gly463= (NM_001406755.1); c.1266G>C, p.Gly422= (NM_001406757.1); c.1566G>C, p.Gly522= (NM_172056.3).
Identifiers: ClinVar variation 1084074 (VCV001084074.11), dbSNP rs1801184437, ClinGen allele CA458645666.